The following is an entry in ClinVar:

ClinVar aggregate classification (germline): Uncertain significance (1 of 4 stars; one submission).

gnomAD v4.1: 2 of 1,614,038 alleles (0.00012%); highest among the groups gnomAD compares: Middle Eastern, 0.017%; no homozygotes.

Submission:

CeGaT Center for Human Genetics Tuebingen
Classification: Uncertain significance. Last evaluated: 2025-11-01. Review status: criteria provided, single submitter. Criteria: CeGaT Center For Human Genetics Tuebingen Variant Classification Criteria Version 2. Collection method: clinical testing. Allele origin: germline. Affected: yes. Observed: 1 variant allele.
Comment: NUMA1: PM2, BP4

NM_006185.4(NUMA1):c.517C>T (p.His173Tyr)

Genes: NUMA1 (nuclear mitotic apparatus protein 1; minus strand), NUMA1-AS1 (NUMA1 antisense RNA 1; plus strand). Cytogenetic location: 11q13.4.
Variant type: single nucleotide variant.
Coding change: c.517C>T on transcript NM_006185.4 (MANE Select); coding-DNA position 517, C replaced by T.
Protein change: p.His173Tyr; replaces histidine 173 with tyrosine.
Molecular consequence: missense variant. On other transcripts: non-coding transcript variant (1).
Genome position (GRCh38, 1-based): chr11:72,019,561, G>A on the plus strand (C>T on the coding strand, the complement: NUMA1 is on the minus strand). VCF-style: chr11-72019561-G-A. GRCh37 (hg19) VCF-style: chr11-71730607-G-A.
Other names: c.517C>T, p.His173Tyr (NM_001286561.2); short protein forms H173Y.
Identifiers: ClinVar variation 4534687 (VCV004534687.6).
Genomic context (GRCh38, chr11:72,019,561, plus strand): 5'-CACTGGAAGAGGAGGCAACCTTCTGTAGCTCTAGGAAGCGAATCTCCCTCTTGGCCTGGT[G>A]GCTAGGTGGGGAGAGCTCTTCAGGGAATGTGCTAGAACAGGTAGAAGGCACAGGAGCTGG-3'
Protein context (NP_006176.2, residues 163-183): TFPEELSPPS[His173Tyr]QAKREIRFLE